The following is an entry in ClinVar:

NM_001148.6(ANK2):c.8124A>G (p.Val2708=)

Gene: ANK2 (ankyrin 2; plus strand). Cytogenetic location: 4q26.
Variant type: single nucleotide variant.
Coding change: c.8124A>G on transcript NM_001148.6 (MANE Select); coding-DNA position 8124, A replaced by G.
Protein change: p.Val2708=; no amino-acid change (valine 2708 retained).
Molecular consequence: synonymous variant. On other transcripts: intron variant (68).
Genome position (GRCh38, 1-based): chr4:113,356,742, A>G. VCF-style: chr4-113356742-A-G. GRCh37 (hg19) VCF-style: chr4-114277898-A-G.
Other names: c.7890A>G, p.Val2630= (NM_001386142.1); c.4524A>G, p.Val1508= (NM_001386166.1); c.8265A>G, p.Val2755= (NM_001386174.1); c.8241A>G, p.Val2747= (NM_001386175.1); c.4412-4081A>G (NM_001386186.2, NM_001386148.2); c.4214-4081A>G (NM_001354269.3); c.4292-4081A>G (NM_001386187.2); c.4253-4081A>G (NM_001386147.1); and 35 more.
Identifiers: ClinVar variation 513345 (VCV000513345.26), dbSNP rs776586126, ClinGen allele CA3051714.

ClinVar aggregate classification (germline): Likely benign. Review status: criteria provided, multiple submitters, no conflicts (2 of 4 stars). 7 submissions from 7 submitters: Likely benign (6). 1 of the submissions does not count toward it. Last evaluated 2026-02-01.

Conditions:
Cardiovascular phenotype. Identifiers: MedGen CN230736.
Cardiac arrhythmia, ankyrin-B-related. Also called: ANKYRIN-B SYNDROME. Identifiers: Orphanet 101016, Orphanet 768, MedGen C1970119, MONDO:0010958, OMIM 600919.
Long QT syndrome (LQTS). Identifiers: MedGen C0023976, MeSH D008133, MONDO:0002442. Disease mechanism: loss of function. Inheritance: Various modes of inheritance.
ANK2-related disorder. Also called: ANK2-related condition.

Allele frequency attached by ClinVar (database versions not stated): gnomAD 0.00006; TOPMed 0.00007; gnomAD exomes 0.00016 and 0.00005; ExAC 0.00002.
gnomAD v4.1: 249 of 1,614,032 alleles (0.015%); highest among the groups gnomAD compares: Non-Finnish European, 0.02%; no homozygotes.

Submissions (7):

CeGaT Center for Human Genetics Tuebingen
Classification: Likely benign. Last evaluated: 2026-02-01. Review status: criteria provided, single submitter. Criteria: CeGaT Center For Human Genetics Tuebingen Variant Classification Criteria Version 2. Collection method: clinical testing. Allele origin: germline. Affected: yes. Observed: 4 variant alleles.
Comment: ANK2: BP4, BP7

Labcorp Genetics (formerly Invitae), Labcorp
Classification: Likely benign for Long QT syndrome. Last evaluated: 2026-01-31. Review status: criteria provided, single submitter. Criteria: Invitae Variant Classification Sherloc (09022015). Collection method: clinical testing. Allele origin: germline.

Blueprint Genetics
Classification: Likely benign. Last evaluated: 2024-04-12. Review status: criteria provided, single submitter. Criteria: ACMG Guidelines, 2015. Collection method: clinical testing. Allele origin: germline.

Fulgent Genetics
Classification: Likely benign for Cardiac arrhythmia, ankyrin-B-related. Last evaluated: 2021-08-10. Review status: criteria provided, single submitter. Criteria: ACMG Guidelines, 2015. Collection method: clinical testing. Allele origin: unknown.

GeneDx
Classification: Likely benign. Last evaluated: 2017-11-13. Review status: criteria provided, single submitter. Criteria: GeneDx Variant Classification (06012015). Collection method: clinical testing. Allele origin: germline. Affected: yes.
Comment: This variant is considered likely benign or benign based on one or more of the following criteria: it is a conservative change, it occurs at a poorly conserved position in the protein, it is predicted to be benign by multiple in silico algorithms, and/or has population frequency not consistent with disease.

Ambry Genetics
Classification: Likely benign for Cardiovascular phenotype. Last evaluated: 2017-09-13. Review status: criteria provided, single submitter. Criteria: Ambry Variant Classification Scheme 2023. Collection method: clinical testing. Allele origin: germline.

PreventionGenetics, part of Exact Sciences
Classification: Likely benign for ANK2-related condition. Last evaluated: 2024-01-22. Review status: no assertion criteria provided. Collection method: clinical testing. Allele origin: germline. Not counted in ClinVar's aggregate classification.
Comment: This variant is classified as likely benign based on ACMG/AMP sequence variant interpretation guidelines (Richards et al. 2015 PMID: 25741868, with internal and published modifications).